The following is an entry in ClinVar:

ClinVar aggregate classification (germline): Uncertain significance (1 of 4 stars; one submission).

Submission:

Labcorp Genetics (formerly Invitae), Labcorp
Classification: Uncertain significance. Last evaluated: 2024-07-31. Review status: criteria provided, single submitter. Criteria: Invitae Variant Classification Sherloc (09022015). Collection method: clinical testing. Allele origin: germline.
Comment: This sequence change replaces threonine, which is neutral and polar, with isoleucine, which is neutral and non-polar, at codon 339 of the COL11A1 protein (p.Thr339Ile). This variant is not present in population databases (gnomAD no frequency). This variant has not been reported in the literature in individuals affected with COL11A1-related conditions. Advanced modeling of protein sequence and biophysical properties (such as structural, functional, and spatial information, amino acid conservation, physicochemical variation, residue mobility, and thermodynamic stability) performed at Invitae indicates that this missense variant is not expected to disrupt COL11A1 protein function with a negative predictive value of 95%. In summary, the available evidence is currently insufficient to determine the role of this variant in disease. Therefore, it has been classified as a Variant of Uncertain Significance.

NM_001854.4(COL11A1):c.1016C>T (p.Thr339Ile)

Gene: COL11A1 (collagen type XI alpha 1 chain; minus strand). Cytogenetic location: 1p21.1.
Variant type: single nucleotide variant.
Coding change: c.1016C>T on transcript NM_001854.4 (MANE Select); coding-DNA position 1016, C replaced by T.
Protein change: p.Thr339Ile; replaces threonine 339 with isoleucine.
Molecular consequence: missense variant. On other transcripts: non-coding transcript variant (1), intron variant (1).
Genome position (GRCh38, 1-based): chr1:103,022,971, G>A on the plus strand (C>T on the coding strand, the complement: COL11A1 is on the minus strand). VCF-style: chr1-103022971-G-A. GRCh37 (hg19) VCF-style: chr1-103488527-G-A.
Other names: c.899C>T, p.Thr300Ile (NM_001190709.2); c.1052C>T, p.Thr351Ile (NM_080629.3); c.898-1202C>T (NM_080630.4); short protein forms T351I, T339I, T300I.
Identifiers: ClinVar variation 3633579 (VCV003633579.2).